The following is an entry in ClinVar:

ClinVar aggregate classification (germline): Uncertain significance (1 of 4 stars; one submission).

Conditions:
Hereditary cancer-predisposing syndrome. Also called: Tumor predisposition; Hereditary neoplastic syndrome; Hereditary Cancer Syndrome; Neoplastic Syndromes, Hereditary. Identifiers: Orphanet 140162, MedGen C0027672, MeSH D009386, MONDO:0015356.

Allele frequency attached by ClinVar (database versions not stated): TOPMed below 0.00001; ESP Exome Variant Server 0.00008.
gnomAD v4.1: 9 of 1,610,210 alleles (0.00056%); highest among the groups gnomAD compares: Non-Finnish European, 0.00076%; no homozygotes.

Submission:

Ambry Genetics
Classification: Uncertain significance for Hereditary cancer-predisposing syndrome. Last evaluated: 2023-12-27. Review status: criteria provided, single submitter. Criteria: Ambry Variant Classification Scheme 2023. Collection method: clinical testing. Allele origin: germline.
Comment: The p.A16P variant (also known as c.46G>C), located in coding exon 2 of the XRCC2 gene, results from a G to C substitution at nucleotide position 46. The alanine at codon 16 is replaced by proline, an amino acid with highly similar properties. This alteration was identified in 1 of 13087 breast cancer cases and 0 of 5488 control individuals in the UK (Decker B et al. J Med Genet, 2017 Nov;54:732-741). This amino acid position is highly conserved in available vertebrate species. In addition, the in silico prediction for this alteration is inconclusive. Since supporting evidence is limited at this time, the clinical significance of this alteration remains unclear.

Literature cited by the submitters: PubMed 28779002.

NM_005431.2(XRCC2):c.46G>C (p.Ala16Pro)

Gene: XRCC2 (X-ray repair cross complementing 2; minus strand). Cytogenetic location: 7q36.1.
Variant type: single nucleotide variant.
Coding change: c.46G>C on transcript NM_005431.2 (MANE Select); coding-DNA position 46, G replaced by C.
Protein change: p.Ala16Pro; replaces alanine 16 with proline.
Molecular consequence: missense variant.
Genome position (GRCh38, 1-based): chr7:152,660,776, C>G on the plus strand (G>C on the coding strand, the complement: XRCC2 is on the minus strand). VCF-style: chr7-152660776-C-G. GRCh37 (hg19) VCF-style: chr7-152357861-C-G.
Other names: short protein forms A16P.
Identifiers: ClinVar variation 3224679 (VCV003224679.1), dbSNP rs4987090, ClinGen allele CA4582415.